The following is an entry in ClinVar:

NM_000059.4(BRCA2):c.7806-9T>G

Gene: BRCA2 (BRCA2 DNA repair associated; plus strand). Cytogenetic location: 13q13.1.
Variant type: single nucleotide variant.
Coding change: c.7806-9T>G on transcript NM_000059.4 (MANE Select); 9 bases into the intron before coding-DNA position 7806, T replaced by G.
Molecular consequence: intron variant.
Genome position (GRCh38, 1-based): chr13:32,362,514, T>G. VCF-style: chr13-32362514-T-G. GRCh37 (hg19) VCF-style: chr13-32936651-T-G.
Other names: IVS16-9T>G.
Identifiers: ClinVar variation 52420 (VCV000052420.10), dbSNP rs397507939, ClinGen allele CA025293.

ClinVar aggregate classification (germline): Pathogenic. Review status: criteria provided, multiple submitters, no conflicts (2 of 4 stars). 5 submissions from 5 submitters: Pathogenic (3). 2 of the submissions do not count toward it. Last evaluated 2025-09-02.

Conditions:
Hereditary breast ovarian cancer syndrome. Also called: Hereditary breast and ovarian cancer syndrome; Hereditary breast and ovarian cancer; Hereditary breast and ovarian cancer syndrome (HBOC); Breast and ovarian cancer; Hereditary breast and/or ovarian cancer syndrome; BRCA1- and BRCA2-Associated Hereditary Breast and Ovarian Cancer. Identifiers: Orphanet 145, MedGen C0677776, MeSH D061325, MONDO:0003582. Disease mechanism: loss of function.
Hereditary cancer-predisposing syndrome. Also called: Neoplastic Syndromes, Hereditary; Tumor predisposition; Hereditary neoplastic syndrome; Hereditary Cancer Syndrome. Identifiers: Orphanet 140162, MedGen C0027672, MeSH D009386, MONDO:0015356.
Breast-ovarian cancer, familial, susceptibility to, 2 (BROVCA2). Also called: BRCA2 Hereditary Breast and Ovarian Cancer. Identifiers: Orphanet 145, MedGen C2675520, MONDO:0012933, OMIM 612555. Disease mechanism: loss of function.

Submissions (5):

Ambry Genetics
Classification: Pathogenic for Hereditary cancer-predisposing syndrome. Last evaluated: 2025-09-02. Review status: criteria provided, single submitter. Criteria: Ambry Variant Classification Scheme 2023. Collection method: clinical testing. Allele origin: germline.
Comment: The c.7806-9T>G intronic pathogenic mutation results from a T to G substitution 9 nucleotides upstream from coding exon 16 in the BRCA2 gene. This nucleotide position is highly conserved in available vertebrate species. In silico splice site analysis predicts that this alteration will weaken the native splice acceptor site and may result in the creation or strengthening of a novel splice acceptor site. RNA studies have demonstrated that this alteration results in abnormal splicing (Ambry internal data; Fraile-Bethencourt E et al. PLoS Genet, 2017 Mar;13:e1006691; Kwong A. et al. Fam Cancer 2008 Jul;7(2):125-33.). A saturation genome editing-based study using a haploid cell-survival assay demonstrates that this nucleotide substitution is non-functional (Huang H et al. Nature. 2025 Feb;638(8050):528-537). Based on the supporting evidence, this variant is interpreted as a disease-causing mutation.

Labcorp Genetics (formerly Invitae), Labcorp
Classification: Pathogenic for Hereditary breast ovarian cancer syndrome. Last evaluated: 2023-10-04. Review status: criteria provided, single submitter. Criteria: Invitae Variant Classification Sherloc (09022015). Collection method: clinical testing. Allele origin: germline.
Comment: This sequence change falls in intron 16 of the BRCA2 gene. It does not directly change the encoded amino acid sequence of the BRCA2 protein. This variant is not present in population databases (gnomAD no frequency). This variant has been observed in individual(s) with breast cancer (PMID: 17657584, 30702160). It has also been observed to segregate with disease in related individuals. ClinVar contains an entry for this variant (Variation ID: 52420). Studies have shown that this variant is associated with altered splicing resulting in multiple RNA products (PMID: 17657584, 28339459). This variant disrupts a region of the BRCA2 protein in which other variant(s) (p.Gly2609Asp) have been determined to be pathogenic (PMID: 10923033, 21990134, 23108138, 29394989, 29884841, 29988080). This suggests that this is a clinically significant region of the protein, and that variants that disrupt it are likely to be disease-causing. For these reasons, this variant has been classified as Pathogenic.

Consortium of Investigators of Modifiers of BRCA1/2 (CIMBA), c/o University of Cambridge
Classification: Pathogenic for Breast-ovarian cancer, familial, susceptibility to, 2. Last evaluated: 2015-10-02. Review status: criteria provided, single submitter. Criteria: CIMBA Mutation Classification guidelines May 2016. Collection method: clinical testing. Allele origin: germline.

Research Molecular Genetics Laboratory, Women's College Hospital, University of Toronto
Classification: Uncertain significance. Last evaluated: 2014-01-31. Review status: no assertion criteria provided. Collection method: research. Allele origin: germline. Affected: yes. Study: The Canadian Open Genetics Repository (COGR). Not counted in ClinVar's aggregate classification.

Breast Cancer Information Core (BIC) (BRCA2)
Classification: Uncertain significance for Breast-ovarian cancer, familial 2. Last evaluated: 2013-02-20. Review status: no assertion criteria provided. Collection method: clinical testing. Allele origin: somatic. Affected: yes. Observed: 1 variant allele. Not counted in ClinVar's aggregate classification.

Literature cited by the submitters: PubMed 28339459 (cited by Ambry Genetics and Labcorp Genetics (formerly Invitae), Labcorp); PubMed 39779857 (cited by Ambry Genetics); PubMed 17657584 (cited by Labcorp Genetics (formerly Invitae), Labcorp); PubMed 30702160 (cited by Labcorp Genetics (formerly Invitae), Labcorp); PubMed 10923033 (cited by Labcorp Genetics (formerly Invitae), Labcorp); PubMed 21990134 (cited by Labcorp Genetics (formerly Invitae), Labcorp); PubMed 23108138 (cited by Labcorp Genetics (formerly Invitae), Labcorp); PubMed 29394989 (cited by Labcorp Genetics (formerly Invitae), Labcorp); PubMed 29884841 (cited by Labcorp Genetics (formerly Invitae), Labcorp); PubMed 29988080 (cited by Labcorp Genetics (formerly Invitae), Labcorp).